The following is an entry in ClinVar:

NM_005141.5(FGB):c.490+1G>C

Gene: FGB (fibrinogen beta chain; plus strand). Cytogenetic location: 4q31.3.
Variant type: single nucleotide variant.
Coding change: c.490+1G>C on transcript NM_005141.5 (MANE Select); the canonical splice donor site of the intron after coding-DNA position 490, G replaced by C.
Molecular consequence: splice donor variant.
Genome position (GRCh38, 1-based): chr4:154,566,673, G>C. VCF-style: chr4-154566673-G-C. GRCh37 (hg19) VCF-style: chr4-155487825-G-C.
Other names: c.313+1G>C (NM_001184741.1); c.490+1G>C (NM_001382761.1, NM_001382760.1, NM_001382765.1 and 3 more transcripts); c.358+1G>C (NM_001382759.1).
Identifiers: ClinVar variation 981156 (VCV000981156.6), dbSNP rs111502670, ClinGen allele CA358510144.

ClinVar aggregate classification (germline): Likely pathogenic (1 of 4 stars; one submission).

Conditions:
Familial dysfibrinogenemia. Also called: Dysfibrinogenemia, congenital. Identifiers: Orphanet 335, Orphanet 98881, MedGen C0272350, MONDO:0014452, OMIM 616004.

Submission:

Institute of Human Genetics, University of Goettingen
Classification: Likely pathogenic for Familial dysfibrinogenemia. Last evaluated: 2020-10-07. Review status: criteria provided, single submitter. Criteria: ACMG Guidelines, 2015. Collection method: clinical testing. Allele origin: unknown. Inheritance: Autosomal dominant inheritance. Affected: yes. Observed: 1 heterozygote.
Comment: Loss of function for authentic splice site probably leading to exon skipping. ACMG criteria used for classification: PVS1, PM2.